The following is an entry in ClinVar:

ClinVar aggregate classification (germline): Uncertain significance. Review status: criteria provided, multiple submitters, no conflicts (2 of 4 stars). 2 submissions from 2 submitters: Uncertain significance (2). Last evaluated 2026-09-17.

Conditions:
SEMA3C-related disorder. Also called: SEMA3C-related condition.

Allele frequency attached by ClinVar (database versions not stated): gnomAD exomes below 0.00001; ExAC 0.00002; TOPMed 0.00002; gnomAD 0.00003; ESP Exome Variant Server 0.00008.
gnomAD v4.1: 8 of 1,607,920 alleles (0.0005%); highest among the groups gnomAD compares: African/African-American, 0.011%; no homozygotes.

Submissions (2):

PreventionGenetics, part of Exact Sciences
Classification: Uncertain significance for SEMA3C-related condition. Last evaluated: 2026-09-17. Review status: criteria provided, single submitter. Criteria: ACMG Guidelines, 2015. Collection method: clinical testing. Allele origin: germline.
Comment: The SEMA3C c.1150T>C variant is predicted to result in the amino acid substitution p.Tyr384His. To our knowledge, this variant has not been reported in the literature. This variant is reported in 0.016% of alleles in individuals of African descent in gnomAD. At this time, the clinical significance of this variant is uncertain due to the absence of conclusive functional and genetic evidence.

Ambry Genetics
Classification: Uncertain significance. Last evaluated: 2022-11-09. Review status: criteria provided, single submitter. Criteria: Ambry Variant Classification Scheme 2023. Collection method: clinical testing. Allele origin: germline.

NM_006379.5(SEMA3C):c.1096T>C (p.Tyr366His)

Gene: SEMA3C (semaphorin 3C; minus strand). Cytogenetic location: 7q21.11.
Variant type: single nucleotide variant.
Coding change: c.1096T>C on transcript NM_006379.5 (MANE Select); coding-DNA position 1096, T replaced by C.
Protein change: p.Tyr366His; replaces tyrosine 366 with histidine.
Molecular consequence: missense variant.
Genome position (GRCh38, 1-based): chr7:80,798,127, A>G on the plus strand (T>C on the coding strand, the complement: SEMA3C is on the minus strand). VCF-style: chr7-80798127-A-G. GRCh37 (hg19) VCF-style: chr7-80427443-A-G.
Other names: c.1150T>C, p.Tyr384His (NM_001350120.2); c.922T>C, p.Tyr308His (NM_001350121.2); c.1150T>C (NM_001350120.1); short protein forms Y366H, Y308H, Y384H.
Identifiers: ClinVar variation 2324960 (VCV002324960.3), dbSNP rs150981633, ClinGen allele CA4316222.
Genomic context (GRCh38, chr7:80,798,127, plus strand): 5'-CAAAGAATTTTCCCTGGATACTTACAGTTCCAGGGCGAGGATATGGAATTCTGCCCTGAT[A>G]GGAAATCAGCTGATGATTGGGCCCTTCTTTGTGGGCAAAAGGCCCATTAAACACAGTCTG-3'
Protein context (NP_006370.1, residues 356-376): KEGPNHQLIS[Tyr366His]QGRIPYPRPG